The following is an entry in ClinVar:

ClinVar aggregate classification (germline): Uncertain significance. Review status: criteria provided, single submitter (1 of 4 stars). 3 submissions from 2 submitters: Uncertain significance (2). 1 of the submissions does not count toward it. Last evaluated 2018-01-13.

Conditions:
BSCL2-related disorder. Also called: BSCL2-related condition; BSCL2-Related Disorders.
Congenital generalized lipodystrophy type 2 (CGL2). Also called: BERARDINELLI SYNDROME; BRUNZELL SYNDROME, BSCL2-RELATED; SEIP SYNDROME; Berardinelli-Seip Congenital Lipodystrophy Type 2. Identifiers: Orphanet 528, Orphanet 696289, MedGen C1720863, MONDO:0010020, OMIM 269700.
Neuronopathy, distal hereditary motor, type 5A (HMND5). Also called: Distal Spinal Muscular Atrophy V; DHMN VA; Distal Spinal Muscular Atrophy V (dSMA-V); NEURONOPATHY, DISTAL HEREDITARY MOTOR, AUTOSOMAL DOMINANT 5. Identifiers: Orphanet 139536, MedGen CN031873, MONDO:0015353, OMIM 600794.

Allele frequency attached by ClinVar (database versions not stated): ExAC 0.00001; gnomAD exomes 0.00001 and 0.00006; gnomAD 0.00003; TOPMed 0.00003.
gnomAD v4.1: 95 of 1,613,298 alleles (0.0059%); highest among the groups gnomAD compares: Non-Finnish European, 0.0078%; no homozygotes.

Submissions (3):

Illumina Laboratory Services, Illumina
Classification: Uncertain significance for Neuronopathy, distal hereditary motor, type 5A. Last evaluated: 2018-01-13. Review status: criteria provided, single submitter. Criteria: ICSL Variant Classification Criteria 13 December 2019. Collection method: clinical testing. Allele origin: germline.

Illumina Laboratory Services, Illumina
Classification: Uncertain significance for Congenital generalized lipodystrophy type 2. Last evaluated: 2018-01-13. Review status: criteria provided, single submitter. Criteria: ICSL Variant Classification Criteria 13 December 2019. Collection method: clinical testing. Allele origin: germline.

PreventionGenetics, part of Exact Sciences
Classification: Uncertain significance for BSCL2-related condition. Last evaluated: 2023-12-29. Review status: no assertion criteria provided. Collection method: clinical testing. Allele origin: germline. Not counted in ClinVar's aggregate classification.
Comment: The BSCL2 c.184C>T variant is predicted to result in the amino acid substitution p.Leu62Phe. To our knowledge, this variant has not been reported in the literature. This variant is reported in 0.0081% of alleles in individuals of African descent in gnomAD. At this time, the clinical significance of this variant is uncertain due to the absence of conclusive functional and genetic evidence.

NM_001122955.4(BSCL2):c.184C>T (p.Leu62Phe)

Genes: BSCL2 (BSCL2 lipid droplet biogenesis associated, seipin; minus strand), HNRNPUL2-BSCL2 (HNRNPUL2-BSCL2 readthrough (NMD candidate); minus strand). Cytogenetic location: 11q12.3.
Variant type: single nucleotide variant.
Coding change: c.184C>T on transcript NM_001122955.4 (MANE Select); coding-DNA position 184, C replaced by T.
Protein change: p.Leu62Phe; replaces leucine 62 with phenylalanine.
Molecular consequence: missense variant. On other transcripts: non-coding transcript variant (1), 5 prime UTR variant (2).
Genome position (GRCh38, 1-based): chr11:62,705,521, G>A on the plus strand (C>T on the coding strand, the complement: BSCL2 is on the minus strand). VCF-style: chr11-62705521-G-A. GRCh37 (hg19) VCF-style: chr11-62472993-G-A.
Other names: c.184C>T (NM_001122955.3); c.-9C>T (NM_001130702.2, NM_032667.6); c.184C>T, p.Leu62Phe (NM_001386027.1, NM_001386028.1); short protein forms L62F.
Identifiers: ClinVar variation 305182 (VCV000305182.8), dbSNP rs756907468, ClinGen allele CA6053645.